The following is an entry in ClinVar:

NM_007194.4(CHEK2):c.1385T>G (p.Leu462Arg)

Gene: CHEK2 (checkpoint kinase 2; minus strand). Cytogenetic location: 22q12.1.
Variant type: single nucleotide variant.
Coding change: c.1385T>G on transcript NM_007194.4 (MANE Select); coding-DNA position 1385, T replaced by G.
Protein change: p.Leu462Arg; replaces leucine 462 with arginine.
Molecular consequence: missense variant.
Genome position (GRCh38, 1-based): chr22:28,694,108, A>C on the plus strand (T>G on the coding strand, the complement: CHEK2 is on the minus strand). VCF-style: chr22-28694108-A-C. GRCh37 (hg19) VCF-style: chr22-29090096-A-C.
Other names: c.1514T>G, p.Leu505Arg (NM_001005735.3); c.1298T>G, p.Leu433Arg (NM_145862.3); c.722T>G, p.Leu241Arg (NM_001257387.3); c.1184T>G, p.Leu395Arg (NM_001349956.3); short protein forms L241R, L433R, L462R, L505R, L395R.
Identifiers: ClinVar variation 2762610 (VCV002762610.3), dbSNP rs2052473264, ClinGen allele CA411094518.

ClinVar aggregate classification (germline): Uncertain significance (1 of 4 stars; one submission).

Conditions:
Familial cancer of breast. Also called: Hereditary breast cancer; BREAST CANCER, FAMILIAL; hereditary breast carcinoma. Identifiers: Orphanet 227535, MedGen C0346153, MONDO:0016419, OMIM 114480. Disease mechanism: loss of function.

Submission:

Labcorp Genetics (formerly Invitae), Labcorp
Classification: Uncertain significance for Familial cancer of breast. Last evaluated: 2025-06-24. Review status: criteria provided, single submitter. Criteria: Invitae Variant Classification Sherloc (09022015). Collection method: clinical testing. Allele origin: germline.
Comment: This sequence change replaces leucine, which is neutral and non-polar, with arginine, which is basic and polar, at codon 462 of the CHEK2 protein (p.Leu462Arg). This variant is not present in population databases (gnomAD no frequency). This variant has not been reported in the literature in individuals affected with CHEK2-related conditions. ClinVar contains an entry for this variant (Variation ID: 2762610). An algorithm developed to predict the effect of missense changes on protein structure and function (PolyPhen-2) suggests that this variant is likely to be disruptive. In summary, the available evidence is currently insufficient to determine the role of this variant in disease. Therefore, it has been classified as a Variant of Uncertain Significance.